The following is an entry in ClinVar:

ClinVar aggregate classification (germline): Uncertain significance. Review status: criteria provided, single submitter (1 of 4 stars). 2 submissions from 2 submitters: Uncertain significance (1). 1 of the submissions does not count toward it. Last evaluated 2023-11-27.

Conditions:
Developmental and epileptic encephalopathy 94 (DEE94). Also called: CHD2-Related Neurodevelopmental Disorders; Epileptic encephalopathy, childhood-onset. Identifiers: Orphanet 1942, Orphanet 2382, MedGen C3809278, MONDO:0014150, OMIM 615369.
Intellectual disability. Also called: intellectual disabilities; Intellectual developmental disorder; Intellectual functioning disability. Identifiers: MedGen C3714756, MeSH D008607, MONDO:0001071, HP:0001249.

Allele frequency attached by ClinVar (database versions not stated): TOPMed 0.00001.
gnomAD v4.1: 1 of 1,591,274 alleles (0.000063%); highest among the groups gnomAD compares: African/African-American, 0.0014%; no homozygotes.

Submissions (2):

Labcorp Genetics (formerly Invitae), Labcorp
Classification: Uncertain significance for Developmental and epileptic encephalopathy 94. Last evaluated: 2023-11-27. Review status: criteria provided, single submitter. Criteria: Invitae Variant Classification Sherloc (09022015). Collection method: clinical testing. Allele origin: germline.
Comment: This sequence change falls in intron 33 of the CHD2 gene. It does not directly change the encoded amino acid sequence of the CHD2 protein. It affects a nucleotide within the consensus splice site. This variant is not present in population databases (gnomAD no frequency). This variant has not been reported in the literature in individuals affected with CHD2-related conditions. ClinVar contains an entry for this variant (Variation ID: 975665). Variants that disrupt the consensus splice site are a relatively common cause of aberrant splicing (PMID: 17576681, 9536098). Algorithms developed to predict the effect of sequence changes on RNA splicing suggest that this variant is not likely to affect RNA splicing. In summary, the available evidence is currently insufficient to determine the role of this variant in disease. Therefore, it has been classified as a Variant of Uncertain Significance.

Centre de Biologie Pathologie Génétique, Centre Hospitalier Universitaire de Lille
Classification: Likely benign for Intellectual disability. Last evaluated: 2019-01-01. Review status: no assertion criteria provided. Collection method: clinical testing. Allele origin: inherited. Affected: yes. Not counted in ClinVar's aggregate classification.

Literature cited by the submitters: PubMed 17576681 (cited by Labcorp Genetics (formerly Invitae), Labcorp); PubMed 9536098 (cited by Labcorp Genetics (formerly Invitae), Labcorp).

NM_001271.4(CHD2):c.4278+5T>A

Gene: CHD2 (chromodomain helicase DNA binding protein 2; plus strand). Cytogenetic location: 15q26.1.
Variant type: single nucleotide variant.
Coding change: c.4278+5T>A on transcript NM_001271.4 (MANE Select); 5 bases into the intron after coding-DNA position 4278, T replaced by A.
Molecular consequence: intron variant.
Genome position (GRCh38, 1-based): chr15:93,002,322, T>A. VCF-style: chr15-93002322-T-A. GRCh37 (hg19) VCF-style: chr15-93545552-T-A.
Identifiers: ClinVar variation 975665 (VCV000975665.7), dbSNP rs202174434, ClinGen allele CA717263003.